The following is an entry in ClinVar:

NM_002470.4(MYH3):c.5674G>A (p.Ala1892Thr)

Gene: MYH3 (myosin heavy chain 3; minus strand). Cytogenetic location: 17p13.1.
Variant type: single nucleotide variant.
Coding change: c.5674G>A on transcript NM_002470.4 (MANE Select); coding-DNA position 5674, G replaced by A.
Protein change: p.Ala1892Thr; replaces alanine 1892 with threonine.
Molecular consequence: missense variant.
Genome position (GRCh38, 1-based): chr17:10,629,719, C>T on the plus strand (G>A on the coding strand, the complement: MYH3 is on the minus strand). VCF-style: chr17-10629719-C-T. GRCh37 (hg19) VCF-style: chr17-10533036-C-T.
Other names: short protein forms A1892T.
Identifiers: ClinVar variation 321709 (VCV000321709.10), dbSNP rs780846542, ClinGen allele CA8391830.
Genomic context (GRCh38, chr17:10,629,719, plus strand): 5'-CCGCACGTTCCTCGGCCTCCTCCAGCTCATGCTGAGCCTTTCGGAATTTGGTGAGATGAG[C>T]ATTGGCTTGTTCATCCTAAAACCAAAGAGCCCAGGCAGGTTATATCAGCACGCGCCTCTC-3'
Protein context (NP_002461.2, residues 1882-1902): QAEEADEQAN[Ala1892Thr]HLTKFRKAQH

ClinVar aggregate classification (germline): Uncertain significance. Review status: criteria provided, multiple submitters, no conflicts (2 of 4 stars). 4 submissions from 3 submitters: Uncertain significance (4). Last evaluated 2023-12-13.

Conditions:
Distal arthrogryposis type 2B1 (DA2B1). Also called: Arthrogryposis multiplex congenita distal type II with craniofacial abnormalities. Identifiers: Orphanet 1147, MedGen C5193014, MONDO:0020820, OMIM 601680.
Inborn genetic diseases. Identifiers: MedGen C0950123, MeSH D030342.
Freeman-Sheldon syndrome (DA2A). Also called: CRANIOCARPOTARSAL DYSPLASIA; CRANIOCARPOTARSAL DYSTROPHY; WHISTLING FACE-WINDMILL VANE HAND SYNDROME; Arthrogryposis, distal, type 2A (Freeman-Sheldon). Identifiers: Orphanet 2053, MedGen C0265224, MONDO:0008675, OMIM 193700.

Allele frequency attached by ClinVar (database versions not stated): ExAC 0.00001; gnomAD 0.00001; gnomAD exomes 0.00001 and 0.00003; TOPMed 0.00001.
gnomAD v4.1: 40 of 1,614,116 alleles (0.0025%); highest among the groups gnomAD compares: Non-Finnish European, 0.0033%; no homozygotes.

Submissions (4):

Ambry Genetics
Classification: Uncertain significance for Inborn genetic diseases. Last evaluated: 2023-12-13. Review status: criteria provided, single submitter. Criteria: Ambry Variant Classification Scheme 2023. Collection method: clinical testing. Allele origin: germline.

Labcorp Genetics (formerly Invitae), Labcorp
Classification: Uncertain significance. Last evaluated: 2022-07-06. Review status: criteria provided, single submitter. Criteria: Invitae Variant Classification Sherloc (09022015). Collection method: clinical testing. Allele origin: germline.
Comment: This sequence change replaces alanine, which is neutral and non-polar, with threonine, which is neutral and polar, at codon 1892 of the MYH3 protein (p.Ala1892Thr). This variant is present in population databases (rs780846542, gnomAD 0.003%). This variant has not been reported in the literature in individuals affected with MYH3-related conditions. ClinVar contains an entry for this variant (Variation ID: 321709). Algorithms developed to predict the effect of missense changes on protein structure and function are either unavailable or do not agree on the potential impact of this missense change (SIFT: "Deleterious"; PolyPhen-2: "Benign"; Align-GVGD: "Class C0"). In summary, the available evidence is currently insufficient to determine the role of this variant in disease. Therefore, it has been classified as a Variant of Uncertain Significance.

Illumina Laboratory Services, Illumina
Classification: Uncertain significance for Freeman-Sheldon syndrome. Last evaluated: 2018-01-12. Review status: criteria provided, single submitter. Criteria: ICSL Variant Classification Criteria 13 December 2019. Collection method: clinical testing. Allele origin: germline.

Illumina Laboratory Services, Illumina
Classification: Uncertain significance for Distal arthrogryposis type 2B1. Last evaluated: 2018-01-12. Review status: criteria provided, single submitter. Criteria: ICSL Variant Classification Criteria 13 December 2019. Collection method: clinical testing. Allele origin: germline.